The following is an entry in ClinVar:

NM_000257.4(MYH7):c.4644+5G>T

Genes: MHRT (myosin heavy chain associated RNA transcript; plus strand), MYH7 (myosin heavy chain 7; minus strand). Cytogenetic location: 14q11.2.
Variant type: single nucleotide variant.
Coding change: c.4644+5G>T on transcript NM_000257.4 (MANE Select); 5 bases into the intron after coding-DNA position 4644, G replaced by T.
Molecular consequence: intron variant.
Genome position (GRCh38, 1-based): chr14:23,416,863, C>A on the plus strand (G>T on the coding strand, the complement: MYH7 is on the minus strand). VCF-style: chr14-23416863-C-A. GRCh37 (hg19) VCF-style: chr14-23886072-C-A.
Identifiers: ClinVar variation 1910658 (VCV001910658.7), dbSNP rs730880797, ClinGen allele CA043175.

ClinVar aggregate classification (germline): Uncertain significance. Review status: criteria provided, multiple submitters, no conflicts (2 of 4 stars). 3 submissions from 3 submitters: Uncertain significance (3). Last evaluated 2025-05-16.

Conditions:
Cardiovascular phenotype. Identifiers: MedGen CN230736.
Cardiomyopathy (CMYO). Also called: Cardiomyopathies. Identifiers: Orphanet 167848, MedGen C0878544, MONDO:0004994, HP:0001638. Inheritance: Various modes of inheritance.
Hypertrophic cardiomyopathy. Also called: HYPERTROPHIC MYOCARDIOPATHY. Identifiers: Orphanet 217569, MedGen C0007194, MeSH D002312, MONDO:0005045, HP:0001639.

Allele frequency attached by ClinVar (database versions not stated): ExAC 0.00001.
gnomAD v4.1: 4 of 1,614,178 alleles (0.00025%); highest among the groups gnomAD compares: African/African-American, 0.0027%; no homozygotes.

Submissions (3):

Ambry Genetics
Classification: Uncertain significance for Cardiovascular phenotype. Last evaluated: 2025-05-16. Review status: criteria provided, single submitter. Criteria: Ambry Variant Classification Scheme 2023. Collection method: clinical testing. Allele origin: germline.
Comment: The c.4644+5G>T intronic variant results from a G to T substitution 5 nucleotides after coding exon 31 in the MYH7 gene. This nucleotide position is well conserved in available vertebrate species. In silico splice site analysis predicts that this alteration may result in the creation or strengthening of a novel splice donor site. Based on the available evidence, the clinical significance of this variant remains unclear.

Labcorp Genetics (formerly Invitae), Labcorp
Classification: Uncertain significance for Hypertrophic cardiomyopathy. Last evaluated: 2024-09-02. Review status: criteria provided, single submitter. Criteria: Invitae Variant Classification Sherloc (09022015). Collection method: clinical testing. Allele origin: germline.
Comment: This sequence change falls in intron 33 of the MYH7 gene. It does not directly change the encoded amino acid sequence of the MYH7 protein. It affects a nucleotide within the consensus splice site. This variant is present in population databases (rs730880797, gnomAD no frequency). This variant has not been reported in the literature in individuals affected with MYH7-related conditions. ClinVar contains an entry for this variant (Variation ID: 1910658). Variants that disrupt the consensus splice site are a relatively common cause of aberrant splicing (PMID: 17576681, 9536098). Algorithms developed to predict the effect of sequence changes on RNA splicing suggest that this variant may disrupt the consensus splice site. In summary, the available evidence is currently insufficient to determine the role of this variant in disease. Therefore, it has been classified as a Variant of Uncertain Significance.

All of Us Research Program, National Institutes of Health
Classification: Uncertain significance for Cardiomyopathy. Last evaluated: 2024-07-29. Review status: criteria provided, single submitter. Criteria: ACMG Guidelines, 2015. Collection method: clinical testing. Allele origin: germline. Inheritance: Autosomal dominant inheritance. Observed: 1 variant allele, 1 heterozygote.
Comment: This variant causes a G to T nucleotide substitution at the +5 position of intron 33 of the MYH7 gene. Splice site prediction tools are inconclusive regarding the impact of this variant on RNA splicing. To our knowledge, RNA studies have not been reported for this variant. This variant has not been reported in individuals affected with MYH7-related disorders in the literature. This variant has not been identified in the general population by the Genome Aggregation Database (gnomAD). Clinical relevance of loss-of-function MYH7 truncation and splice variants in autosomal dominant cardiovascular disorders is not clearly established. The available evidence is insufficient to determine the role of this variant in disease conclusively. Therefore, this variant is classified as a Variant of Uncertain Significance.

This study involves interpretation of variants in research participants for the purpose of population health screening. Participant phenotype was not available at the time of variant classification. Additional details can be found in publication PMID: 35346344, PMCID: PMC8962531

Literature cited by the submitters: PubMed 17576681 (cited by Labcorp Genetics (formerly Invitae), Labcorp); PubMed 9536098 (cited by Labcorp Genetics (formerly Invitae), Labcorp).